The following is an entry in ClinVar:

NM_003998.4(NFKB1):c.409T>C (p.Phe137Leu)

Gene: NFKB1 (nuclear factor kappa B subunit 1; plus strand). Cytogenetic location: 4q24.
Variant type: single nucleotide variant.
Coding change: c.409T>C on transcript NM_003998.4 (MANE Select); coding-DNA position 409, T replaced by C.
Protein change: p.Phe137Leu; replaces phenylalanine 137 with leucine.
Molecular consequence: missense variant.
Genome position (GRCh38, 1-based): chr4:102,576,877, T>C. VCF-style: chr4-102576877-T-C. GRCh37 (hg19) VCF-style: chr4-103498034-T-C.
Other names: c.406T>C, p.Phe136Leu (NM_001165412.2, NM_001319226.2, NM_001382627.1); c.409T>C, p.Phe137Leu (NM_001382625.1, NM_001382626.1); c.367T>C, p.Phe123Leu (NM_001382628.1); short protein forms F136L, F137L, F123L.
Identifiers: ClinVar variation 3659780 (VCV003659780.2).

ClinVar aggregate classification (germline): Uncertain significance (1 of 4 stars; one submission).

Submission:

Labcorp Genetics (formerly Invitae), Labcorp
Classification: Uncertain significance. Last evaluated: 2024-07-17. Review status: criteria provided, single submitter. Criteria: Invitae Variant Classification Sherloc (09022015). Collection method: clinical testing. Allele origin: germline.
Comment: This sequence change replaces phenylalanine, which is neutral and non-polar, with leucine, which is neutral and non-polar, at codon 137 of the NFKB1 protein (p.Phe137Leu). This variant is not present in population databases (gnomAD no frequency). This variant has not been reported in the literature in individuals affected with NFKB1-related conditions. Advanced modeling of protein sequence and biophysical properties (such as structural, functional, and spatial information, amino acid conservation, physicochemical variation, residue mobility, and thermodynamic stability) performed at Invitae indicates that this missense variant is expected to disrupt NFKB1 protein function with a positive predictive value of 80%. In summary, the available evidence is currently insufficient to determine the role of this variant in disease. Therefore, it has been classified as a Variant of Uncertain Significance.